The following is an entry in ClinVar:

ClinVar aggregate classification (germline): Pathogenic/Likely pathogenic. Review status: criteria provided, multiple submitters, no conflicts (2 of 4 stars). 12 submissions from 12 submitters: Pathogenic (10); Likely pathogenic (2). Last evaluated 2026-06-09.

Conditions:
FLG-related disorder. Also called: FLG-related disorders; FLG-related condition.
Inborn genetic diseases. Identifiers: MedGen C0950123, MeSH D030342.
Ichthyosis vulgaris. Also called: ICHTHYOSIS SIMPLEX; Dominant ichthyosis vulgaris. Identifiers: MedGen C0079584, MONDO:0024304, OMIM 146700.

Allele frequency attached by ClinVar (database versions not stated): TOPMed 0.00012; ESP Exome Variant Server 0.00023; gnomAD exomes 0.00031; ExAC 0.00038; 1000 Genomes Project 0.00040; 1000 Genomes Project 30x 0.00047; gnomAD 0.00054.
gnomAD v4.1: 304 of 1,614,090 alleles (0.019%); highest among the groups gnomAD compares: South Asian, 0.12%; 5 homozygotes.

Submissions (12):

Ambry Genetics
Classification: Pathogenic for Inborn genetic diseases. Last evaluated: 2026-06-09. Review status: criteria provided, single submitter. Criteria: Ambry Variant Classification Scheme 2023. Collection method: clinical testing. Allele origin: germline.
Comment: The c.6109C>T (p.R2037*) alteration, located in exon 3 (coding exon 2) of the FLG gene, consists of a C to T substitution at nucleotide position 6109. This changes the amino acid from a arginine (R) to a stop codon at amino acid position 2037. This variant is not expected to trigger nonsense-mediated mRNA decay, and impacts the last 50% of the protein. However, premature stop codons are typically deleterious in nature, the impacted region is critical for protein function, and a significant portion of the protein is affected (Ambry internal data). Based on data from gnomAD, the T allele has an overall frequency of 0.034% (95/282864) total alleles studied. The highest observed frequency was 0.131% (40/30614) of South Asian alleles. This variant has been identified in the homozygous state and/or in conjunction with other variant(s) in this same gene in individual(s) with features consistent with FLG-related ichthyosis vulgaris and segregated with disease in at least one family (Fozia, 2021; Srinivas, 2023). Based on the available evidence, this alteration is classified as pathogenic.

Dasa
Classification: Pathogenic. Last evaluated: 2026-04-06. Review status: criteria provided, single submitter. Criteria: DASA Assertion Criteria. Collection method: clinical testing. Allele origin: germline.
Comment: NM_002016.2(FLG):c.6109C>T (p.Arg2037Ter) introduces a premature termination codon predicted to result in loss of normal protein function. Loss-of-function is an established mechanism of disease for this gene. This variant has been recurrently observed in individuals with related phenotype (PMID: 31967959; PMID: 33807935). Segregation evidence has been reported in affected families. The variant is present at low frequency in population datasets. Based on the available data, this variant is classified as pathogenic.

GeneDx
Classification: Pathogenic. Last evaluated: 2025-11-07. Review status: criteria provided, single submitter. Criteria: GeneDx Variant Classification Process June 2021. Collection method: clinical testing. Allele origin: germline. Affected: yes.
Comment: Nonsense variant predicted to result in protein truncation, as the last 2025 amino acid(s) are lost, and other loss-of-function variants have been reported downstream in HGMD; This variant is associated with the following publications: (PMID: 33807935, 31967959, 37067103, 37995928, 36751330, 40125057, 16444271, 38317805)

Center for Genomic Medicine, Rigshospitalet, Copenhagen University Hospital
Classification: Pathogenic. Last evaluated: 2025-03-04. Review status: criteria provided, single submitter. Criteria: ACMG Guidelines, 2015. Collection method: clinical testing. Allele origin: germline.

Laboratory of Genetics, Children's Clinical University Hospital Latvia
Classification: Likely pathogenic. Last evaluated: 2025-02-16. Review status: criteria provided, single submitter. Criteria: ACMG Guidelines, 2015. Collection method: clinical testing. Allele origin: germline. Affected: yes.

Blueprint Genetics
Classification: Pathogenic for FLG-related disorders. Last evaluated: 2024-11-14. Review status: criteria provided, single submitter. Criteria: ACMG Guidelines, 2015. Collection method: clinical testing. Allele origin: germline. Affected: yes. Observed: 5 variant alleles.

Pittsburgh Clinical Genomics Laboratory, University of Pittsburgh Medical Center
Classification: Pathogenic for Ichthyosis vulgaris. Last evaluated: 2024-06-17. Review status: criteria provided, single submitter. Criteria: ACMG Guidelines, 2015. Collection method: clinical testing. Allele origin: germline. Inheritance: Autosomal unknown. Affected: yes.
Comment: This sequence variant is a single nucleotide substitution (G>A) at position 6109 of the coding sequence of the FLG gene that results in an arginine to an early termination codon at residue 2037 of the filaggrin protein. This variant is in the C-terminus of FLG and is predicted to generate a non-functional allele through the expression of a truncated protein. This is a previously reported variant (ClinVar 280166) that has been observed in individuals affected by congenital ichthyosis and/or atopic dermatitis, with variable penetrance and expressivity (PMID: 33807935, 37067103, 36751330). This variant is present in the gnomAD v4.1.0 population database (304 in 1614090 alleles, 0.018%). Loss of function is disease causing in this gene (PMID: 16444271). Given this evidence, we consider this variant to be pathogenic. ACMG Criteria: PP1, PP5, PVS1

Institute of Human Genetics Munich, TUM University Hospital
Classification: Pathogenic for Ichthyosis vulgaris. Last evaluated: 2023-11-22. Review status: criteria provided, single submitter. Criteria: Classification criteria August 2017. Collection method: clinical testing. Allele origin: germline. Inheritance: Autosomal recessive inheritance. Affected: yes. Observed: 1 variant allele.

Genome-Nilou Lab
Classification: Pathogenic for Ichthyosis vulgaris. Last evaluated: 2023-04-11. Review status: criteria provided, single submitter. Criteria: ACMG Guidelines, 2015. Collection method: clinical testing. Allele origin: germline. Affected: no.

CeGaT Center for Human Genetics Tuebingen
Classification: Pathogenic. Last evaluated: 2023-03-01. Review status: criteria provided, single submitter. Criteria: CeGaT Center For Human Genetics Tuebingen Variant Classification Criteria Version 2. Collection method: clinical testing. Allele origin: germline. Affected: yes. Observed: 2 variant alleles.
Comment: FLG: PVS1, PP1, PP4

Mendelics
Classification: Pathogenic for Ichthyosis vulgaris. Last evaluated: 2022-05-04. Review status: criteria provided, single submitter. Criteria: Mendelics Assertion Criteria 2019. Collection method: clinical testing. Allele origin: germline.

Genetics and Genomic Medicine Centre, NeuroGen Healthcare, NeuroGen Healthcare
Classification: Likely pathogenic for Ichthyosis vulgaris. Last evaluated: 2021-05-06. Review status: criteria provided, single submitter. Criteria: Submitter's publication. Collection method: clinical testing. Allele origin: unknown. Affected: no.

Literature cited by the submitters: PubMed 33807935 (cited by 4 submitters); PubMed 37067103 (cited by Ambry Genetics and Pittsburgh Clinical Genomics Laboratory, University of Pittsburgh Medical Center); PubMed 31967959 (cited by Dasa); PubMed 16444271 (cited by Center for Genomic Medicine, Rigshospitalet, Copenhagen University Hospital and Pittsburgh Clinical Genomics Laboratory, University of Pittsburgh Medical Center); PubMed 36751330 (cited by Pittsburgh Clinical Genomics Laboratory, University of Pittsburgh Medical Center).

NM_002016.2(FLG):c.6109C>T (p.Arg2037Ter)

Genes: CCDST (cervical cancer associated DHX9 suppressive transcript; plus strand), FLG (filaggrin; minus strand). Cytogenetic location: 1q21.3.
Variant type: single nucleotide variant.
Coding change: c.6109C>T on transcript NM_002016.2 (MANE Select); coding-DNA position 6109, C replaced by T.
Protein change: p.Arg2037Ter; replaces arginine 2037 with a stop codon.
Molecular consequence: nonsense.
Genome position (GRCh38, 1-based): chr1:152,308,777, G>A on the plus strand (C>T on the coding strand, the complement: FLG is on the minus strand). VCF-style: chr1-152308777-G-A. GRCh37 (hg19) VCF-style: chr1-152281253-G-A.
Other names: short protein forms R2037*.
Identifiers: ClinVar variation 280166 (VCV000280166.48), dbSNP rs200002200, ClinGen allele CA1105412.